The following is an entry in ClinVar:

ClinVar aggregate classification (germline): Likely benign. Review status: criteria provided, multiple submitters, no conflicts (2 of 4 stars). 3 submissions from 3 submitters: Likely benign (2). 1 of the submissions does not count toward it. Last evaluated 2025-10-09.

Conditions:
Cardiovascular phenotype. Identifiers: MedGen CN230736.
HCN4-related disorder. Also called: HCN4-related condition.
Brugada syndrome 8 (BRGDA8). Identifiers: Orphanet 130, MedGen C2751083, MONDO:0013148, OMIM 613123.

Allele frequency attached by ClinVar (database versions not stated): gnomAD 0.00001; gnomAD exomes 0.00001; ExAC 0.00005.
gnomAD v4.1: 21 of 1,540,926 alleles (0.0014%); highest among the groups gnomAD compares: Middle Eastern, 0.017%; no homozygotes.

Submissions (3):

Labcorp Genetics (formerly Invitae), Labcorp
Classification: Likely benign for Brugada syndrome 8. Last evaluated: 2025-10-09. Review status: criteria provided, single submitter. Criteria: Invitae Variant Classification Sherloc (09022015). Collection method: clinical testing. Allele origin: germline.

Ambry Genetics
Classification: Likely benign for Cardiovascular phenotype. Last evaluated: 2021-06-23. Review status: criteria provided, single submitter. Criteria: Ambry Variant Classification Scheme 2023. Collection method: clinical testing. Allele origin: germline.

PreventionGenetics, part of Exact Sciences
Classification: Likely benign for HCN4-related condition. Last evaluated: 2023-03-16. Review status: no assertion criteria provided. Collection method: clinical testing. Allele origin: germline. Not counted in ClinVar's aggregate classification.
Comment: This variant is classified as likely benign based on ACMG/AMP sequence variant interpretation guidelines (Richards et al. 2015 PMID: 25741868, with internal and published modifications).

NM_005477.3(HCN4):c.3294G>A (p.Ala1098=)

Gene: HCN4 (hyperpolarization activated cyclic nucleotide gated potassium channel 4; minus strand). Cytogenetic location: 15q24.1.
Variant type: single nucleotide variant.
Coding change: c.3294G>A on transcript NM_005477.3 (MANE Select); coding-DNA position 3294, G replaced by A.
Protein change: p.Ala1098=; no amino-acid change (alanine 1098 retained).
Molecular consequence: synonymous variant.
Genome position (GRCh38, 1-based): chr15:73,322,799, C>T on the plus strand (G>A on the coding strand, the complement: HCN4 is on the minus strand). VCF-style: chr15-73322799-C-T. GRCh37 (hg19) VCF-style: chr15-73615140-C-T.
Identifiers: ClinVar variation 697094 (VCV000697094.13), dbSNP rs766077921, ClinGen allele CA7648852.
Genomic context (GRCh38, chr15:73,322,799, plus strand): 5'-GAGCGGGAAGGCAGCCATGGACTCCCCTGAGGAGTGCGGGGAGGCTCTGCGGAGAGTCTG[C>T]GCCCCGTCCTGAGGCAGGGCTGGCTGAGACGCGGAGATGAGCTTGAGGTCCTGGGTGAGG-3'
Protein context (NP_005468.1, residues 1088-1108): ASQPALPQDG[Ala1098=]QTLRRASPHS